The following is an entry in ClinVar:

ClinVar aggregate classification (germline): Uncertain significance. Review status: criteria provided, multiple submitters, no conflicts (2 of 4 stars). 4 submissions from 4 submitters: Uncertain significance (4). Last evaluated 2025-04-17.

Conditions:
Cardiovascular phenotype. Identifiers: MedGen CN230736.
Long QT syndrome (LQTS). Identifiers: MedGen C0023976, MeSH D008133, MONDO:0002442. Disease mechanism: loss of function. Inheritance: Various modes of inheritance.

Allele frequency attached by ClinVar (database versions not stated): TOPMed 0.00004; gnomAD exomes 0.00001; gnomAD 0.00003.
gnomAD v4.1: 15 of 1,614,026 alleles (0.00093%); highest among the groups gnomAD compares: Middle Eastern, 0.016%; no homozygotes.

Submissions (4):

Labcorp Genetics (formerly Invitae), Labcorp
Classification: Uncertain significance for Long QT syndrome. Last evaluated: 2025-04-17. Review status: criteria provided, single submitter. Criteria: Invitae Variant Classification Sherloc (09022015). Collection method: clinical testing. Allele origin: germline.
Comment: This sequence change replaces alanine, which is neutral and non-polar, with valine, which is neutral and non-polar, at codon 102 of the CAV3 protein (p.Ala102Val). This variant is present in population databases (no rsID available, gnomAD 0.007%). This variant has not been reported in the literature in individuals affected with CAV3-related conditions. ClinVar contains an entry for this variant (Variation ID: 452121). An algorithm developed to predict the effect of missense changes on protein structure and function (PolyPhen-2) suggests that this variant is likely to be disruptive. In summary, the available evidence is currently insufficient to determine the role of this variant in disease. Therefore, it has been classified as a Variant of Uncertain Significance.

Ambry Genetics
Classification: Uncertain significance for Cardiovascular phenotype. Last evaluated: 2024-12-14. Review status: criteria provided, single submitter. Criteria: Ambry Variant Classification Scheme 2023. Collection method: clinical testing. Allele origin: germline.
Comment: The p.A102V variant (also known as c.305C>T), located in coding exon 2 of the CAV3 gene, results from a C to T substitution at nucleotide position 305. The alanine at codon 102 is replaced by valine, an amino acid with similar properties. This amino acid position is well conserved in available vertebrate species. In addition, this alteration is predicted to be deleterious by in silico analysis. Since supporting evidence is limited at this time, the clinical significance of this alteration remains unclear.

GeneDx
Classification: Uncertain significance. Last evaluated: 2023-10-18. Review status: criteria provided, single submitter. Criteria: GeneDx Variant Classification Process June 2021. Collection method: clinical testing. Allele origin: germline. Affected: yes.
Comment: Not observed at significant frequency in large population cohorts (gnomAD); Missense variants in this gene are often considered pathogenic (HGMD); In silico analysis supports that this missense variant does not alter protein structure/function; Has not been previously published as pathogenic or benign to our knowledge; This variant is associated with the following publications: (PMID: 25630502)

Women's Health and Genetics/Laboratory Corporation of America, LabCorp
Classification: Uncertain significance. Last evaluated: 2022-12-30. Review status: criteria provided, single submitter. Criteria: LabCorp Variant Classification Summary - May 2015. Collection method: clinical testing. Allele origin: germline.
Comment: Variant summary: CAV3 c.305C>T (p.Ala102Val) results in a non-conservative amino acid change in the encoded protein sequence. Three of five in-silico tools predict a damaging effect of the variant on protein function. The variant allele was found at a frequency of 8e-06 in 251344 control chromosomes (gnomAD). The available data on variant occurrences in the general population are insufficient to allow any conclusion about variant significance. To our knowledge, no occurrence of c.305C>T in individuals affected with Hypertrophic Cardiomyopathy and no experimental evidence demonstrating its impact on protein function have been reported. Three ClinVar submitters have assessed the variant since 2014: all three classified the variant as uncertain significance. Based on the evidence outlined above, the variant was classified as uncertain significance.

NM_033337.3(CAV3):c.305C>T (p.Ala102Val)

Genes: CAV3 (caveolin 3; plus strand), OXTR (oxytocin receptor; minus strand). Cytogenetic location: 3p25.3.
Variant type: single nucleotide variant.
Coding change: c.305C>T on transcript NM_033337.3 (MANE Select); coding-DNA position 305, C replaced by T.
Protein change: p.Ala102Val; replaces alanine 102 with valine.
Molecular consequence: missense variant.
Genome position (GRCh38, 1-based): chr3:8,745,716, C>T. VCF-style: chr3-8745716-C-T. GRCh37 (hg19) VCF-style: chr3-8787402-C-T.
Other names: c.305C>T, p.Ala102Val (NM_001234.5); short protein forms A102V.
Identifiers: ClinVar variation 452121 (VCV000452121.14), dbSNP rs868638613, ClinGen allele CA69870462.